The following is an entry in ClinVar:

NM_001372.4(DNAH9):c.5425C>T (p.Gln1809Ter)

Gene: DNAH9 (dynein axonemal heavy chain 9; plus strand). Cytogenetic location: 17p12.
Variant type: single nucleotide variant.
Coding change: c.5425C>T on transcript NM_001372.4 (MANE Select); coding-DNA position 5425, C replaced by T.
Protein change: p.Gln1809Ter; replaces glutamine 1809 with a stop codon.
Molecular consequence: nonsense.
Genome position (GRCh38, 1-based): chr17:11,705,058, C>T. VCF-style: chr17-11705058-C-T. GRCh37 (hg19) VCF-style: chr17-11608375-C-T.
Other names: short protein forms Q1809*.
Identifiers: ClinVar variation 2799281 (VCV002799281.3), dbSNP rs1458537119, ClinGen allele CA398185324.

ClinVar aggregate classification (germline): Pathogenic (1 of 4 stars; one submission).

Allele frequency attached by ClinVar (database versions not stated): gnomAD 0.00001; gnomAD exomes 0.00001; TOPMed 0.00001.
gnomAD v4.1: 9 of 1,614,104 alleles (0.00056%); highest among the groups gnomAD compares: Non-Finnish European, 0.00076%; no homozygotes.

Submission:

Labcorp Genetics (formerly Invitae), Labcorp
Classification: Pathogenic. Last evaluated: 2023-05-16. Review status: criteria provided, single submitter. Criteria: Invitae Variant Classification Sherloc (09022015). Collection method: clinical testing. Allele origin: germline.
Comment: This variant is present in population databases (no rsID available, gnomAD 0.0009%). This variant has not been reported in the literature in individuals affected with DNAH9-related conditions. For these reasons, this variant has been classified as Pathogenic. This sequence change creates a premature translational stop signal (p.Gln1809*) in the DNAH9 gene. It is expected to result in an absent or disrupted protein product. Loss-of-function variants in DNAH9 are known to be pathogenic (PMID: 30471718).

Literature cited by the submitters: PubMed 30471718.